The following is an entry in ClinVar:

ClinVar aggregate classification (germline): Uncertain significance. Review status: criteria provided, multiple submitters, no conflicts (2 of 4 stars). 6 submissions from 6 submitters: Uncertain significance (5). 1 of the submissions does not count toward it. Last evaluated 2024-10-10.

Conditions:
Neoplasm of stomach. Also called: Neoplasm of the stomach; Gastric neoplasm; Stomach Neoplasms. Identifiers: MedGen C0038356, MONDO:0021085, HP:0006753. Disease mechanism: gain of function. Inheritance: Somatic mutation.
Familial adenomatous polyposis 1 (FAP1). Also called: FAMILIAL ADENOMATOUS POLYPOSIS 1, ATTENUATED; POLYPOSIS, ADENOMATOUS INTESTINAL. Identifiers: MedGen C2713442, MONDO:0021056, OMIM 175100. Disease mechanism: loss of function.
Hepatocellular carcinoma (HCC). Also called: Primary carcinoma of liver; HEPATOMA; LIVER CELL CARCINOMA. Identifiers: Orphanet 88673, MedGen C2239176, MONDO:0007256, OMIM 114550, HP:0001402.
Carcinoma of colon (CRC). Also called: Colonic carcinoma; Colon carcinoma. Identifiers: MedGen C0699790, MONDO:0002032.
Desmoid disease, hereditary (DESMD). Also called: FIBROMATOSIS, FAMILIAL INFILTRATIVE. Identifiers: Orphanet 873, MedGen C1851124, OMIM 135290. Disease mechanism: loss of function.
Hereditary cancer-predisposing syndrome. Also called: Tumor predisposition; Hereditary neoplastic syndrome; Neoplastic Syndromes, Hereditary; Hereditary Cancer Syndrome. Identifiers: Orphanet 140162, MedGen C0027672, MeSH D009386, MONDO:0015356.

Allele frequency attached by ClinVar (database versions not stated): gnomAD exomes below 0.00001.
gnomAD v4.1: 3 of 1,613,800 alleles (0.00019%); highest among the groups gnomAD compares: African/African-American, 0.0013%; no homozygotes.

Submissions (6):

Ambry Genetics
Classification: Uncertain significance for Hereditary cancer-predisposing syndrome. Last evaluated: 2024-10-10. Review status: criteria provided, single submitter. Criteria: Ambry Variant Classification Scheme 2023. Collection method: clinical testing. Allele origin: germline.
Comment: The p.P2086R variant (also known as c.6257C>G), located in coding exon 15 of the APC gene, results from a C to G substitution at nucleotide position 6257. The proline at codon 2086 is replaced by arginine, an amino acid with dissimilar properties. This amino acid position is highly conserved in available vertebrate species. In addition, in silico predictors for this gene do not accurately predict pathogenicity. Missense alterations in APC are not a common cause of disease (Spier I et al. Genet Med. 2024 Feb;26(2):100992). Based on the available evidence, the clinical significance of this variant remains unclear.

GeneDx
Classification: Uncertain significance. Last evaluated: 2024-08-27. Review status: criteria provided, single submitter. Criteria: GeneDx Variant Classification Process June 2021. Collection method: clinical testing. Allele origin: germline. Affected: yes.
Comment: Not observed at significant frequency in large population cohorts (gnomAD); In silico analysis indicates that this missense variant does not alter protein structure/function; Has not been previously published as pathogenic or benign to our knowledge; This variant is associated with the following publications: (PMID: 36243179)

Labcorp Genetics (formerly Invitae), Labcorp
Classification: Uncertain significance for Familial adenomatous polyposis 1. Last evaluated: 2024-07-25. Review status: criteria provided, single submitter. Criteria: Invitae Variant Classification Sherloc (09022015). Collection method: clinical testing. Allele origin: germline.
Comment: This sequence change replaces proline, which is neutral and non-polar, with arginine, which is basic and polar, at codon 2086 of the APC protein (p.Pro2086Arg). This variant is not present in population databases (gnomAD no frequency). This variant has not been reported in the literature in individuals affected with APC-related conditions. ClinVar contains an entry for this variant (Variation ID: 186466). Advanced modeling of protein sequence and biophysical properties (such as structural, functional, and spatial information, amino acid conservation, physicochemical variation, residue mobility, and thermodynamic stability) performed at Invitae indicates that this missense variant is not expected to disrupt APC protein function with a negative predictive value of 95%. In summary, the available evidence is currently insufficient to determine the role of this variant in disease. Therefore, it has been classified as a Variant of Uncertain Significance.

Myriad Genetics, Inc.
Classification: Uncertain significance for Familial adenomatous polyposis 1. Last evaluated: 2023-02-16. Review status: criteria provided, single submitter. Criteria: Myriad Autosomal Dominant, Autosomal Recessive and X-Linked Classification Criteria (2023). Collection method: clinical testing. Allele origin: unknown.
Comment: This variant is classified as a variant of uncertain significance as there is insufficient evidence to determine its impact on protein function and/or cancer risk.

Fulgent Genetics
Classification: Uncertain significance for Colorectal cancer; Hepatocellular carcinoma; Desmoid disease, hereditary; Familial adenomatous polyposis 1; Gastric cancer. Last evaluated: 2017-05-23. Review status: criteria provided, single submitter. Criteria: ACMG Guidelines, 2015. Collection method: clinical testing. Allele origin: unknown.

Counsyl
Classification: Uncertain significance for Familial adenomatous polyposis 1. Last evaluated: 2017-09-05. Review status: no assertion criteria provided. Collection method: clinical testing. Allele origin: unknown. Not counted in ClinVar's aggregate classification.

NM_000038.6(APC):c.6257C>G (p.Pro2086Arg)

Gene: APC (APC regulator of Wnt signaling pathway; plus strand). Cytogenetic location: 5q22.2.
Variant type: single nucleotide variant.
Coding change: c.6257C>G on transcript NM_000038.6 (MANE Select); coding-DNA position 6257, C replaced by G.
Protein change: p.Pro2086Arg; replaces proline 2086 with arginine.
Molecular consequence: missense variant.
Genome position (GRCh38, 1-based): chr5:112,841,851, C>G. VCF-style: chr5-112841851-C-G. GRCh37 (hg19) VCF-style: chr5-112177548-C-G.
Other names: c.6257C>G, p.Pro2086Arg (NM_001127510.3, NM_001354895.2); c.6203C>G, p.Pro2068Arg (NM_001127511.3); c.6311C>G, p.Pro2104Arg (NM_001354896.2); c.6287C>G, p.Pro2096Arg (NM_001354897.2); c.6182C>G, p.Pro2061Arg (NM_001354898.2); c.6173C>G, p.Pro2058Arg (NM_001354899.2); c.6134C>G, p.Pro2045Arg (NM_001354900.2); c.6080C>G, p.Pro2027Arg (NM_001354901.2); and 5 more; short protein forms P2068R, P2086R, P1985R, P1995R, P2058R, P1803R, P2045R, P2096R.
Identifiers: ClinVar variation 186466 (VCV000186466.16), dbSNP rs786202975, ClinGen allele CA011055.